The following is an entry in ClinVar:

ClinVar aggregate classification (germline): Likely benign (1 of 4 stars; one submission).

Conditions:
ADCY3-related disorder. Also called: ADCY3-related condition.

gnomAD v4.1: 29 of 1,613,242 alleles (0.0018%); highest among the groups gnomAD compares: Admixed American, 0.01%; no homozygotes.

Submission:

PreventionGenetics, part of Exact Sciences
Classification: Likely benign for ADCY3-related condition. Last evaluated: 2025-07-22. Review status: criteria provided, single submitter. Criteria: ACMG Guidelines, 2015. Collection method: clinical testing. Allele origin: germline.
Comment: This variant is classified as likely benign based on ACMG/AMP sequence variant interpretation guidelines (Richards et al. 2015 PMID: 25741868, with internal and published modifications).

NM_004036.5(ADCY3):c.1797C>T (p.Ser599=)

Gene: ADCY3 (adenylate cyclase 3; minus strand). Cytogenetic location: 2p23.3.
Variant type: single nucleotide variant.
Coding change: c.1797C>T on transcript NM_004036.5 (MANE Select); coding-DNA position 1797, C replaced by T.
Protein change: p.Ser599=; no amino-acid change (serine 599 retained).
Molecular consequence: synonymous variant.
Genome position (GRCh38, 1-based): chr2:24,834,802, G>A on the plus strand (C>T on the coding strand, the complement: ADCY3 is on the minus strand). VCF-style: chr2-24834802-G-A. GRCh37 (hg19) VCF-style: chr2-25057671-G-A.
Other names: c.1797C>T, p.Ser599= (NM_001320613.2, NM_001377129.1, NM_001377130.1 and 1 more transcripts); c.1863C>T, p.Ser621= (NM_001377128.1); c.1074C>T, p.Ser358= (NM_001377131.1).
Identifiers: ClinVar variation 4987212 (VCV004987212.1).